The following is an entry in ClinVar:

NM_001085049.3(MRAS):c.212A>G (p.Gln71Arg)

Gene: MRAS (muscle RAS oncogene homolog; plus strand). Cytogenetic location: 3q22.3.
Variant type: single nucleotide variant.
Coding change: c.212A>G on transcript NM_001085049.3 (MANE Select); coding-DNA position 212, A replaced by G.
Protein change: p.Gln71Arg; replaces glutamine 71 with arginine.
Molecular consequence: missense variant. On other transcripts: 5 prime UTR variant (3).
Genome position (GRCh38, 1-based): chr3:138,397,342, A>G. VCF-style: chr3-138397342-A-G. GRCh37 (hg19) VCF-style: chr3-138116184-A-G.
Other names: NM_001085049.3(MRAS):c.212A>G; p.Gln71Arg; c.212A>G, p.Gln71Arg (NM_001252090.2, NM_012219.4); c.-17A>G (NM_001252091.1, NM_001252092.2, NM_001252093.2); short protein forms Q71R.
Identifiers: ClinVar variation 635783 (VCV000635783.4), dbSNP rs1576387885, ClinGen allele CA354672474.
Genomic context (GRCh38, chr3:138,397,342, plus strand): 5'-GGTAGGTGAGGACAGCCCCTGAGTGGCCTCATCCCACCCCAGTTCTGGACACAGCTGGGC[A>G]GGAGGAATTCAGCGCCATGCGGGAGCAATACATGCGCACGGGGGATGGCTTCCTCATCGT-3'
Protein context (NP_001078518.1, residues 61-81): AILDVLDTAG[Gln71Arg]EEFSAMREQY

ClinVar aggregate classification (germline): Likely pathogenic. Review status: reviewed by expert panel (3 of 4 stars). 3 submissions from 3 submitters: Likely pathogenic (1). 2 of the submissions do not count toward it. Last evaluated 2024-12-03.

Conditions:
Noonan syndrome 11. Identifiers: MedGen C5193130, MONDO:0032786, OMIM 618499.
RASopathy. Also called: rasopathies; Noonan spectrum disorder. Identifiers: Orphanet 536391, MedGen C5555857, MONDO:0021060.

Submissions (3):

ClinGen RASopathy Variant Curation Expert Panel
Classification: Likely pathogenic for RASopathy. Last evaluated: 2024-12-03. Review status: reviewed by expert panel. Criteria: ClinGen RASopathy ACMG Specifications MRAS V1.4.0. Collection method: curation. Allele origin: germline. Inheritance: Autosomal dominant inheritance.
Comment: The c.212A>G (p.Gln71Arg) variant in MRAS is a missense variant predicted to cause substitution of glutamine by arginine at amino acid 71. This variant is absent from gnomAD v2 (PM2_Supporting). The computational predictor REVEL gives a score of 0.926, which is above the threshold of 0.7, evidence that correlates with impact to MRAS function (PP3). This variant resides within the Switch II domain (amino acids 67 – 74), of MRAS that is defined as a critical functional domain by the ClinGen RASopathy VCEP (PM1). This variant has been reported in 1 proband with features of RASopathy (PS4_Supporting; PMID:31173466). This variant has been identified as a de novo occurrence with confirmed parental relationships in 1 individual with features of RASopathy (PS2; PMID:31173466). In summary, this variant currently meets the criteria to be classified as likely pathogenic for autosomal dominant RASopathy based on the ACMG/AMP criteria applied, as specified by the ClinGen RASopathy VCEP: PS2, PM1, PS4_Supporting, PM2_Supporting, PP3. (RASopathy VCEP specifications version 1.4; 12/03/2024)

Victorian Clinical Genetics Services, Murdoch Childrens Research Institute
Classification: Pathogenic for Noonan syndrome 11. Last evaluated: 2022-02-02. Review status: criteria provided, single submitter. Criteria: ACMG Guidelines, 2015. Collection method: clinical testing. Allele origin: germline. Inheritance: Autosomal dominant inheritance. Affected: yes. Not counted in ClinVar's aggregate classification.
Comment: Based on the classification scheme VCGS_Germline_v1.3.4, this variant is classified as Pathogenic. Following criteria are met: 0101 - Gain of function is a known mechanism of disease in this gene and is associated with Noonan syndrome 11 (MIM#618499; PMID: 28289718). (I) 0107 - This gene is associated with autosomal dominant disease. (I) 0200 - Variant is predicted to result in a missense amino acid change from glutamine to arginine. (I) 0251 - This variant is heterozygous. (I) 0301 - Variant is absent from gnomAD (both v2 and v3). (SP) 0501 - Missense variant consistently predicted to be damaging by multiple in silico tools or highly conserved with a major amino acid change. (SP) 0601 - Variant is located in the well-established functional Switch II domain. This residue, and the homologous residue in other RAS proteins, is important for RAS activation; variants affecting this residue result in increased activation (PMID: 9400994). (SP) 0705 - No comparable missense variants have previous evidence for pathogenicity. (I) 0802 - This variant has moderate previous evidence of pathogenicity in unrelated individuals. This variant has been reported de novo in an individual with severe Noonan syndrome (PMID: 31173466). (SP) 0905 - No published segregation evidence has been identified for this variant. (I) 1007 - No published functional evidence has been identified for this variant. (SP) Legend: (SP) - Supporting pathogenic, (I) - Information, (SB) - Supporting benign

OMIM
Classification: Pathogenic for NOONAN SYNDROME 11. Last evaluated: 2014-12-01. Review status: no assertion criteria provided. Collection method: literature only. Allele origin: germline. Not counted in ClinVar's aggregate classification.

Literature cited by the submitters: PubMed 9400994 (cited by Victorian Clinical Genetics Services, Murdoch Childrens Research Institute); PubMed 28289718 (cited by Victorian Clinical Genetics Services, Murdoch Childrens Research Institute); PubMed 31173466 (cited by Victorian Clinical Genetics Services, Murdoch Childrens Research Institute and OMIM); Hamosh, A. Personal Communication. 2019. Baltimore, Md. (cited by OMIM); PubMed 25252692 (cited by OMIM); PubMed 30348783 (cited by OMIM).